The following is an entry in ClinVar:

NM_020699.4(GATAD2B):c.790C>T (p.Arg264Cys)

Gene: GATAD2B (GATA zinc finger domain containing 2B; minus strand). Cytogenetic location: 1q21.3.
Variant type: single nucleotide variant.
Coding change: c.790C>T on transcript NM_020699.4 (MANE Select); coding-DNA position 790, C replaced by T.
Protein change: p.Arg264Cys; replaces arginine 264 with cysteine.
Molecular consequence: missense variant.
Genome position (GRCh38, 1-based): chr1:153,817,482, G>A on the plus strand (C>T on the coding strand, the complement: GATAD2B is on the minus strand). VCF-style: chr1-153817482-G-A. GRCh37 (hg19) VCF-style: chr1-153789958-G-A.
Other names: short protein forms R264C.
Identifiers: ClinVar variation 2967951 (VCV002967951.3), dbSNP rs563646987, ClinGen allele CA1120769.

ClinVar aggregate classification (germline): Uncertain significance (1 of 4 stars; one submission).

Allele frequency attached by ClinVar (database versions not stated): gnomAD 0.00001; gnomAD exomes 0.00001; ExAC 0.00002; 1000 Genomes Project 30x 0.00016; 1000 Genomes Project 0.00020.
gnomAD v4.1: 8 of 1,613,242 alleles (0.0005%); highest among the groups gnomAD compares: Admixed American, 0.0017%; no homozygotes.

Submission:

Labcorp Genetics (formerly Invitae), Labcorp
Classification: Uncertain significance. Last evaluated: 2023-01-02. Review status: criteria provided, single submitter. Criteria: Invitae Variant Classification Sherloc (09022015). Collection method: clinical testing. Allele origin: germline.
Comment: In summary, the available evidence is currently insufficient to determine the role of this variant in disease. Therefore, it has been classified as a Variant of Uncertain Significance. Advanced modeling of protein sequence and biophysical properties (such as structural, functional, and spatial information, amino acid conservation, physicochemical variation, residue mobility, and thermodynamic stability) performed at Invitae indicates that this missense variant is expected to disrupt GATAD2B protein function. This variant has not been reported in the literature in individuals affected with GATAD2B-related conditions. This variant is present in population databases (rs563646987, gnomAD 0.007%). This sequence change replaces arginine, which is basic and polar, with cysteine, which is neutral and slightly polar, at codon 264 of the GATAD2B protein (p.Arg264Cys).